The following is an entry in ClinVar:

ClinVar aggregate classification (germline): Uncertain significance (1 of 4 stars; one submission).

Submission:

Labcorp Genetics (formerly Invitae), Labcorp
Classification: Uncertain significance. Last evaluated: 2022-02-05. Review status: criteria provided, single submitter. Criteria: Invitae Variant Classification Sherloc (09022015). Collection method: clinical testing. Allele origin: germline.
Comment: This variant, c.68_70del, results in the deletion of 1 amino acid(s) of the ERCC2 protein (p.Ser23del), but otherwise preserves the integrity of the reading frame. This variant is present in population databases (no rsID available, gnomAD 0.003%). This variant has been observed in individual(s) with trichothiodystrophy (PMID: 20944642). In at least one individual the data is consistent with being in trans (on the opposite chromosome) from a pathogenic variant. ClinVar contains an entry for this variant (Variation ID: 329531). Experimental studies and prediction algorithms are not available or were not evaluated, and the functional significance of this variant is currently unknown. In summary, the available evidence is currently insufficient to determine the role of this variant in disease. Therefore, it has been classified as a Variant of Uncertain Significance.

Literature cited by the submitters: PubMed 20944642.

NM_000400.4(ERCC2):c.68_70del (p.Ser23del)

Gene: ERCC2 (ERCC excision repair 2, TFIIH core complex helicase subunit; minus strand). Cytogenetic location: 19q13.32.
Variant type: Deletion.
Coding change: c.68_70del on transcript NM_000400.4 (MANE Select); coding-DNA positions 68 to 70, 3 bases deleted (CCT; older notation c.68_70delCCT).
Protein change: p.Ser23del; deletes serine 23.
Molecular consequence: inframe deletion. On other transcripts: 5 prime UTR variant (1).
Genome position (GRCh38, 1-based): chr19:45,370,168-45,370,170, AGG deleted on the plus strand (CCT on the coding strand, the reverse complement: ERCC2 is on the minus strand); deleting any 3 consecutive bases within chr19:45,370,168-45,370,172 gives the same sequence; the c. name uses the placement nearest the transcript's 3' end. VCF-style (leftmost placement, unchanged base first): chr19-45370167-TAGG-T. GRCh37 (hg19) VCF-style: chr19-45873425-TAGG-T.
Other names: c.-5_-3del (NM_001130867.2); short protein forms S23del.
Identifiers: ClinVar variation 329531 (VCV000329531.9), dbSNP rs886054500, ClinGen allele CA10642964.
Genomic context (GRCh38, chr19:45,370,167, plus strand): 5'-GCGGGTCGGGCCCACCGGCCACCCACCTTGGCGTCCAGCGTGCGTTTGAGCTCCCGCATG[TAGG>T]AGAACTGCTCGGGGTAGATGTAGTCGTACGGGAAGTAGACCAGGAGCCCGTCCACGTTGA-3'